The following is an entry in ClinVar:

ClinVar aggregate classification (germline): Pathogenic (1 of 4 stars; one submission).

Submission:

Labcorp Genetics (formerly Invitae), Labcorp
Classification: Pathogenic. Last evaluated: 2023-02-21. Review status: criteria provided, single submitter. Criteria: Invitae Variant Classification Sherloc (09022015). Collection method: clinical testing. Allele origin: germline.
Comment: This sequence change affects an acceptor splice site in intron 6 of the LAMB3 gene. It is expected to disrupt RNA splicing. Variants that disrupt the donor or acceptor splice site typically lead to a loss of protein function (PMID: 16199547), and loss-of-function variants in LAMB3 are known to be pathogenic (PMID: 11023379, 16473856). This variant is not present in population databases (gnomAD no frequency). Disruption of this splice site has been observed in individuals with autosomal recessive junctional epidermolysis bullosa (PMID: 9242513). Algorithms developed to predict the effect of sequence changes on RNA splicing suggest that this variant may disrupt the consensus splice site. For these reasons, this variant has been classified as Pathogenic.

Literature cited by the submitters: PubMed 16199547; PubMed 11023379; PubMed 16473856; PubMed 9242513.

NM_000228.3(LAMB3):c.565-1G>C

Gene: LAMB3 (laminin subunit beta 3; minus strand). Cytogenetic location: 1q32.2.
Variant type: single nucleotide variant.
Coding change: c.565-1G>C on transcript NM_000228.3 (MANE Select); the canonical splice acceptor site of the intron before coding-DNA position 565, G replaced by C.
Molecular consequence: splice acceptor variant.
Genome position (GRCh38, 1-based): chr1:209,633,134, C>G on the plus strand (G>C on the coding strand, the complement: LAMB3 is on the minus strand). VCF-style: chr1-209633134-C-G. GRCh37 (hg19) VCF-style: chr1-209806479-C-G.
Other names: c.565-1G>C (NM_001127641.1, NM_001017402.2).
Identifiers: ClinVar variation 2877671 (VCV002877671.3), dbSNP rs1057516693, ClinGen allele CA344595002.